The following is an entry in ClinVar:

ClinVar aggregate classification (germline): Uncertain significance (1 of 4 stars; one submission).

Conditions:
Inborn genetic diseases. Identifiers: MedGen C0950123, MeSH D030342.

gnomAD v4.1: 3 of 1,477,044 alleles (0.0002%); highest among the groups gnomAD compares: Middle Eastern, 0.022%; no homozygotes.

Submission:

Ambry Genetics
Classification: Uncertain significance for Inborn genetic diseases. Last evaluated: 2024-12-09. Review status: criteria provided, single submitter. Criteria: Ambry Variant Classification Scheme 2023. Collection method: clinical testing. Allele origin: germline.
Comment: The p.T159S variant (also known as c.476C>G), located in coding exon 1 of the SH2B3 gene, results from a C to G substitution at nucleotide position 476. The threonine at codon 159 is replaced by serine, an amino acid with similar properties. This amino acid position is conserved. In addition, this alteration is predicted to be tolerated by in silico analysis. Based on the available evidence, the clinical significance of this variant remains unclear.

NM_005475.3(SH2B3):c.476C>G (p.Thr159Ser)

Gene: SH2B3 (SH2B adaptor protein 3; plus strand). Cytogenetic location: 12q24.12.
Variant type: single nucleotide variant.
Coding change: c.476C>G on transcript NM_005475.3 (MANE Select); coding-DNA position 476, C replaced by G.
Protein change: p.Thr159Ser; replaces threonine 159 with serine.
Molecular consequence: missense variant.
Genome position (GRCh38, 1-based): chr12:111,418,621, C>G. VCF-style: chr12-111418621-C-G. GRCh37 (hg19) VCF-style: chr12-111856425-C-G.
Other names: short protein forms T159S.
Identifiers: ClinVar variation 3440858 (VCV003440858.1).